The following is an entry in ClinVar:

ClinVar aggregate classification (germline): Uncertain significance (1 of 4 stars; one submission).

Submission:

GeneDx
Classification: Uncertain significance. Last evaluated: 2022-01-04. Review status: criteria provided, single submitter. Criteria: GeneDx Variant Classification Process June 2021. Collection method: clinical testing. Allele origin: germline. Affected: yes.
Comment: Not observed at significant frequency in large population cohorts (gnomAD); In silico analysis supports that this missense variant does not alter protein structure/function; Has not been previously published as pathogenic or benign to our knowledge

NM_001555.5(IGSF1):c.3805G>C (p.Val1269Leu)

Gene: IGSF1 (immunoglobulin superfamily member 1; minus strand). Cytogenetic location: Xq26.1.
Variant type: single nucleotide variant.
Coding change: c.3805G>C on transcript NM_001555.5 (MANE Select); coding-DNA position 3805, G replaced by C.
Protein change: p.Val1269Leu; replaces valine 1269 with leucine.
Molecular consequence: missense variant.
Genome position (GRCh38, 1-based): chrX:131,274,153, C>G on the plus strand (G>C on the coding strand, the complement: IGSF1 is on the minus strand). VCF-style: chrX-131274153-C-G. GRCh37 (hg19) VCF-style: chrX-130408127-C-G.
Other names: c.3820G>C, p.Val1274Leu (NM_001170961.2); c.3778G>C, p.Val1260Leu (NM_001170962.2); short protein forms V1260L, V1269L, V1274L.
Identifiers: ClinVar variation 1695857 (VCV001695857.2), dbSNP rs775509128, ClinGen allele CA414556222.
Genomic context (GRCh38, chrX:131,274,153, plus strand): 5'-GTCGAGGCCACTTCTTCCACTCTATGGCTAGCACTACCCCCAAGGCTACAACAACCACCA[C>G]GATTAGGCTACTTCGGACAATGTTCCCTACAGTGCACTCCTGAGCAACAGGCCCTGTGGT-3'
Protein context (NP_001546.2, residues 1259-1279): VGNIVRSSLI[Val1269Leu]VVVVALGVVL